The following is an entry in ClinVar:

ClinVar aggregate classification (germline): Pathogenic. Review status: reviewed by expert panel (3 of 4 stars). 18 submissions from 18 submitters: Pathogenic (1). 17 of the submissions do not count toward it. Last evaluated 2016-09-08.

Conditions:
Hereditary cancer-predisposing syndrome. Also called: Hereditary Cancer Syndrome; Tumor predisposition; Neoplastic Syndromes, Hereditary; Hereditary neoplastic syndrome. Identifiers: Orphanet 140162, MedGen C0027672, MeSH D009386, MONDO:0015356.
Hereditary breast ovarian cancer syndrome. Also called: Breast and ovarian cancer; BRCA1- and BRCA2-Associated Hereditary Breast and Ovarian Cancer; Hereditary breast and ovarian cancer; Hereditary breast and ovarian cancer syndrome (HBOC); Hereditary breast and ovarian cancer syndrome; Hereditary breast and/or ovarian cancer syndrome. Identifiers: Orphanet 145, MedGen C0677776, MeSH D061325, MONDO:0003582. Disease mechanism: loss of function.
Breast-ovarian cancer, familial, susceptibility to, 2 (BROVCA2). Also called: BRCA2 Hereditary Breast and Ovarian Cancer. Identifiers: Orphanet 145, MedGen C2675520, MONDO:0012933, OMIM 612555. Disease mechanism: loss of function.
Breast-ovarian cancer, familial, susceptibility to, 1 (BROVCA1). Also called: BRCA1 Hereditary Breast and Ovarian Cancer; OVARIAN CANCER, SUSCEPTIBILITY TO. Identifiers: Orphanet 145, MedGen C2676676, MONDO:0011450, OMIM 604370. Disease mechanism: loss of function.
Familial cancer of breast. Also called: BREAST CANCER, FAMILIAL; hereditary breast carcinoma; Hereditary breast cancer. Identifiers: Orphanet 227535, MedGen C0346153, MONDO:0016419, OMIM 114480. Disease mechanism: loss of function.

Submissions (18):

Evidence-based Network for the Interpretation of Germline Mutant Alleles (ENIGMA)
Classification: Pathogenic for Breast-ovarian cancer, familial, susceptibility to, 2. Last evaluated: 2016-09-08. Review status: reviewed by expert panel. Criteria: ENIGMA BRCA1/2 Classification Criteria (2015). Collection method: curation. Allele origin: germline.
Comment: Variant allele predicted to encode a truncated non-functional protein.

Mayo Clinic Laboratories, Mayo Clinic
Classification: Pathogenic. Last evaluated: 2025-12-03. Review status: criteria provided, single submitter. Criteria: ACMG Guidelines, 2015. Collection method: clinical testing. Allele origin: germline. Observed: 2 variant alleles. Not counted in ClinVar's aggregate classification.
Comment: PM2_supporting, PM5_supporting, PVS1

Labcorp Genetics (formerly Invitae), Labcorp
Classification: Pathogenic for Hereditary breast ovarian cancer syndrome. Last evaluated: 2025-10-15. Review status: criteria provided, single submitter. Criteria: Invitae Variant Classification Sherloc (09022015). Collection method: clinical testing. Allele origin: germline. Not counted in ClinVar's aggregate classification.
Comment: This sequence change creates a premature translational stop signal (p.Arg2892Thrfs*14) in the BRCA2 gene. It is expected to result in an absent or disrupted protein product. Loss-of-function variants in BRCA2 are known to be pathogenic (PMID: 20104584). This variant is not present in population databases (gnomAD no frequency). This variant has not been reported in the literature in individuals affected with BRCA2-related conditions. ClinVar contains an entry for this variant (Variation ID: 52656). For these reasons, this variant has been classified as Pathogenic.

Ambry Genetics
Classification: Pathogenic for Hereditary cancer-predisposing syndrome. Last evaluated: 2025-03-18. Review status: criteria provided, single submitter. Criteria: Ambry Variant Classification Scheme 2023. Collection method: clinical testing. Allele origin: germline. Not counted in ClinVar's aggregate classification.
Comment: The c.8673_8674delAA pathogenic mutation, located in coding exon 20 of the BRCA2 gene, results from a deletion of two nucleotides at nucleotide positions 8673 to 8674, causing a translational frameshift with a predicted alternate stop codon (p.R2892Tfs*14). This mutation was identified in two individuals as part of a large, worldwide study of BRCA1/2 mutation positive families (Rebbeck TR et al. Hum. Mutat., 2018 05;39:593-620). This variant is considered to be rare based on population cohorts in the Genome Aggregation Database (gnomAD). In addition to the clinical data presented in the literature, this alteration is expected to result in loss of function by premature protein truncation or nonsense-mediated mRNA decay. As such, this alteration is interpreted as a disease-causing mutation.

Color Diagnostics, LLC DBA Color Health
Classification: Pathogenic for Hereditary cancer-predisposing syndrome. Last evaluated: 2024-07-16. Review status: criteria provided, single submitter. Criteria: ACMG Guidelines, 2015. Collection method: clinical testing. Allele origin: germline. Not counted in ClinVar's aggregate classification.
Comment: This variant deletes 2 nucleotides in exon 21 of the BRCA2 gene, creating a frameshift and premature translation stop signal. This variant is expected to result in an absent or non-functional protein product. This variant has been reported in four suspected hereditary breast and ovarian cancer families (PMID: 29446198). This variant has not been identified in the general population by the Genome Aggregation Database (gnomAD). Loss of BRCA2 function is a known mechanism of disease. Based on the available evidence, this variant is classified as Pathogenic.

Baylor Genetics
Classification: Pathogenic for Familial cancer of breast. Last evaluated: 2023-05-15. Review status: criteria provided, single submitter. Criteria: ACMG Guidelines, 2015. Collection method: clinical testing. Allele origin: unknown. Not counted in ClinVar's aggregate classification.

CeGaT Center for Human Genetics Tuebingen
Classification: Pathogenic. Last evaluated: 2022-02-01. Review status: criteria provided, single submitter. Criteria: CeGaT Center For Human Genetics Tuebingen Variant Classification Criteria Version 2. Collection method: clinical testing. Allele origin: germline. Affected: yes. Observed: 1 variant allele. Not counted in ClinVar's aggregate classification.

Women's Health and Genetics/Laboratory Corporation of America, LabCorp
Classification: Pathogenic for Hereditary breast ovarian cancer syndrome. Last evaluated: 2021-02-12. Review status: criteria provided, single submitter. Criteria: LabCorp Variant Classification Summary - May 2015. Collection method: clinical testing. Allele origin: germline. Not counted in ClinVar's aggregate classification.
Comment: Variant summary: BRCA2 c.8673_8674delAA (p.Arg2892ThrfsX14) results in a premature termination codon, predicted to cause a truncation of the encoded protein or absence of the protein due to nonsense mediated decay, which are commonly known mechanisms for disease. Truncations downstream of this position have been classified as pathogenic by our laboratory. The variant was absent in 251318 control chromosomes. c.8673_8674delAA has been reported in the literature in individuals affected with Hereditary Breast And Ovarian Cancer Syndrome (e.g. Rebbeck_2018). These data indicate that the variant is likely to be associated with disease. To our knowledge, no experimental evidence demonstrating an impact on protein function has been reported. Seven other ClinVar submitters, including two expert panels (evaluation after 2014) have cited the variant as pathogenic. Based on the evidence outlined above, the variant was classified as pathogenic.

Department of Molecular Diagnostics, Institute of Oncology Ljubljana
Classification: Pathogenic for Breast-ovarian cancer, familial, susceptibility to, 1. Last evaluated: 2020-04-02. Review status: criteria provided, single submitter. Criteria: ACMG Guidelines, 2015. Collection method: clinical testing. Allele origin: germline. Affected: yes. Not counted in ClinVar's aggregate classification.

ARUP Laboratories, Molecular Genetics and Genomics, ARUP Laboratories
Classification: Pathogenic. Last evaluated: 2018-01-18. Review status: criteria provided, single submitter. Criteria: ARUP Molecular Germline Variant Investigation Process. Collection method: clinical testing. Allele origin: germline. Not counted in ClinVar's aggregate classification.
Comment: The BRCA2 c.8673_8674delAA; p.Arg2892fs variant (rs80359724), is not reported in the medical literature but is reported as pathogenic by multiple laboratories in ClinVar (Variation ID: 52656). This variant is also absent from the general population databases (1000 Genomes Project, Exome Variant Server, Genome Aggregation Database), indicating it is not a common polymorphism. This variant deletes two nucleotides causing a frameshift, and is predicted to result in a truncated protein or absent transcript. Based on the above information, this variant is considered pathogenic.

Quest Diagnostics Nichols Institute San Juan Capistrano
Classification: Pathogenic. Last evaluated: 2015-11-24. Review status: criteria provided, single submitter. Criteria: Quest Diagnostics criteria. Collection method: clinical testing. Allele origin: germline. Not counted in ClinVar's aggregate classification.

Consortium of Investigators of Modifiers of BRCA1/2 (CIMBA), c/o University of Cambridge
Classification: Pathogenic for Breast-ovarian cancer, familial, susceptibility to, 2. Last evaluated: 2015-10-02. Review status: criteria provided, single submitter. Criteria: CIMBA Mutation Classification guidelines May 2016. Collection method: clinical testing. Allele origin: germline. Not counted in ClinVar's aggregate classification.

GeneDx
Classification: Pathogenic. Last evaluated: 2015-05-22. Review status: criteria provided, single submitter. Criteria: GeneDx Variant Classification (06012015). Collection method: clinical testing. Allele origin: germline. Affected: yes. Not counted in ClinVar's aggregate classification.
Comment: This deletion of 2 nucleotides in BRCA2 is denoted c.8673_8674delAA at the cDNA level and p.Arg2892ThrfsX14 (R2892TfsX14) at the protein level. Using alternate nomenclature, this variant would be defined as BRCA2 8901delAA. The normal sequence, with the bases that are deleted in braces, is TAAC[AA]GACA. The deletion causes a frameshift, which changes an Arginine to a Threonine at codon 2892, and creates a premature stop codon at position 14 of the new reading frame. Although this variant has not, to our knowledge, been reported in the literature, it is predicted to cause loss of normal protein function through either protein truncation or nonsense-mediated mRNA decay. We consider this variant to be pathogenic.

Clinical Genetics and Genomics, Karolinska University Hospital
Classification: Pathogenic. Last evaluated: 2014-07-02. Review status: criteria provided, single submitter. Criteria: ACMG Guidelines, 2015. Collection method: clinical testing. Allele origin: germline. Affected: yes. Observed: 1 variant allele. Not counted in ClinVar's aggregate classification.

Department of Pathology and Laboratory Medicine, Sinai Health System
Classification: Pathogenic for Hereditary breast ovarian cancer syndrome. Review status: criteria provided, single submitter. Criteria: ACMG Guidelines, 2015. Collection method: clinical testing. Allele origin: germline. Affected: yes. Study: The Canadian Open Genetics Repository (COGR). Not counted in ClinVar's aggregate classification.

BRCAlab, Lund University
Classification: Pathogenic for Breast-ovarian cancer, familial, susceptibility to, 2. Last evaluated: 2022-08-26. Review status: no assertion criteria provided. Collection method: clinical testing. Allele origin: germline. Affected: yes. Not counted in ClinVar's aggregate classification.

Research Molecular Genetics Laboratory, Women's College Hospital, University of Toronto
Classification: Pathogenic for Hereditary breast ovarian cancer syndrome. Last evaluated: 2014-01-31. Review status: no assertion criteria provided. Collection method: research. Allele origin: germline. Affected: yes. Study: The Canadian Open Genetics Repository (COGR). Not counted in ClinVar's aggregate classification.

Breast Cancer Information Core (BIC) (BRCA2)
Classification: Pathogenic for Breast-ovarian cancer, familial 2. Last evaluated: 2004-02-20. Review status: no assertion criteria provided. Collection method: clinical testing. Allele origin: germline. Affected: yes. Observed: 3 variant alleles. Not counted in ClinVar's aggregate classification.

Literature cited by the submitters: PubMed 33804961 (cited by Mayo Clinic Laboratories, Mayo Clinic); PubMed 36367610 (cited by Mayo Clinic Laboratories, Mayo Clinic); PubMed 20104584 (cited by Labcorp Genetics (formerly Invitae), Labcorp); PubMed 29446198 (cited by 3 submitters).

NM_000059.4(BRCA2):c.8673_8674del (p.Arg2892fs)

Gene: BRCA2 (BRCA2 DNA repair associated; plus strand). Cytogenetic location: 13q13.1.
Variant type: Deletion.
Coding change: c.8673_8674del on transcript NM_000059.4 (MANE Select); coding-DNA positions 8673 to 8674, 2 bases deleted (AA; older notation c.8673_8674delAA).
Protein change: p.Arg2892fs; shifts the reading frame from arginine 2892.
Molecular consequence: frameshift variant.
Genome position (GRCh38, 1-based): chr13:32,376,710-32,376,711, AA deleted. VCF-style (leftmost placement, unchanged base first): chr13-32376709-CAA-C. GRCh37 (hg19) VCF-style: chr13-32950846-CAA-C.
Other names: 8901delAA; c.8673_8674delAA (NM_000059.3).
Identifiers: ClinVar variation 52656 (VCV000052656.72), dbSNP rs80359724, ClinGen allele CA025774.